The following is an entry in ClinVar:

NM_002485.5(NBN):c.2013T>A (p.Asn671Lys)

Gene: NBN (nibrin; minus strand). Cytogenetic location: 8q21.3.
Variant type: single nucleotide variant.
Coding change: c.2013T>A on transcript NM_002485.5 (MANE Select); coding-DNA position 2013, T replaced by A.
Protein change: p.Asn671Lys; replaces asparagine 671 with lysine.
Molecular consequence: missense variant.
Genome position (GRCh38, 1-based): chr8:89,946,197, A>T on the plus strand (T>A on the coding strand, the complement: NBN is on the minus strand). VCF-style: chr8-89946197-A-T. GRCh37 (hg19) VCF-style: chr8-90958425-A-T.
Other names: c.1767T>A, p.Asn589Lys (NM_001024688.3, NM_001440379.1, NM_001440380.1); short protein forms N589K, N671K.
Identifiers: ClinVar variation 4117278 (VCV004117278.1).

ClinVar aggregate classification (germline): Uncertain significance (1 of 4 stars; one submission).

Conditions:
Hereditary cancer-predisposing syndrome. Also called: Hereditary neoplastic syndrome; Neoplastic Syndromes, Hereditary; Tumor predisposition; Hereditary Cancer Syndrome. Identifiers: Orphanet 140162, MedGen C0027672, MeSH D009386, MONDO:0015356.

Submission:

Ambry Genetics
Classification: Uncertain significance for Hereditary cancer-predisposing syndrome. Last evaluated: 2025-08-30. Review status: criteria provided, single submitter. Criteria: Ambry Variant Classification Scheme 2023. Collection method: clinical testing. Allele origin: germline.
Comment: The p.N671K variant (also known as c.2013T>A), located in coding exon 13 of the NBN gene, results from a T to A substitution at nucleotide position 2013. The asparagine at codon 671 is replaced by lysine, an amino acid with similar properties. This amino acid position is conserved. In addition, this alteration is predicted to be tolerated by in silico analysis. Based on the available evidence, the clinical significance of this variant remains unclear.